The following is an entry in ClinVar:

NM_000053.4(ATP7B):c.2060A>T (p.Asn687Ile)

Gene: ATP7B (ATPase copper transporting beta; minus strand). Cytogenetic location: 13q14.3.
Variant type: single nucleotide variant.
Coding change: c.2060A>T on transcript NM_000053.4 (MANE Select); coding-DNA position 2060, A replaced by T.
Protein change: p.Asn687Ile; replaces asparagine 687 with isoleucine.
Molecular consequence: missense variant. On other transcripts: intron variant (2).
Genome position (GRCh38, 1-based): chr13:51,960,209, T>A on the plus strand (A>T on the coding strand, the complement: ATP7B is on the minus strand). VCF-style: chr13-51960209-T-A. GRCh37 (hg19) VCF-style: chr13-52534345-T-A.
Other names: c.1727A>T, p.Asn576Ile (NM_001243182.2); c.2060A>T, p.Asn687Ile (NM_001330578.2, NM_001406511.1, NM_001406512.1 and 16 more transcripts); c.2027A>T, p.Asn676Ile (NM_001406514.1, NM_001406524.1); c.1964A>T, p.Asn655Ile (NM_001406517.1, NM_001406530.1, NM_001406536.1 and 1 more transcripts); c.1631A>T, p.Asn544Ile (NM_001406539.1); c.1870-2602A>T (NM_001005918.3); c.1870-1665A>T (NM_001330579.2); short protein forms N544I, N576I, N687I, N655I, N676I.
Identifiers: ClinVar variation 1704391 (VCV001704391.10), dbSNP rs778768103, ClinGen allele CA6989126.

ClinVar aggregate classification (germline): Conflicting classifications of pathogenicity. Review status: criteria provided, conflicting classifications (1 of 4 stars). 8 submissions from 8 submitters: Likely pathogenic (1); Uncertain significance (7). Last evaluated 2025-06-11.

Conditions:
Wilson disease (WND). Also called: Wilson's disease. Identifiers: Orphanet 905, MedGen C0019202, MONDO:0010200, OMIM 277900. Disease mechanism: loss of function.

Allele frequency attached by ClinVar (database versions not stated): gnomAD 0.00001; TOPMed 0.00002.
gnomAD v4.1: 43 of 1,613,774 alleles (0.0027%); highest among the groups gnomAD compares: Non-Finnish European, 0.0031%; no homozygotes.

Submissions (8):

Color Diagnostics, LLC DBA Color Health
Classification: Uncertain significance for Wilson disease. Last evaluated: 2025-06-11. Review status: criteria provided, single submitter. Criteria: ACMG Guidelines, 2015. Collection method: clinical testing. Allele origin: germline.
Comment: This missense variant replaces asparagine with isoleucine at codon 687 of the ATP7B protein. Computational prediction is inconclusive regarding the impact of this variant on protein structure and function. To our knowledge, functional studies have not been reported for this variant. This variant has not been reported in individuals affected with ATP7B-related disorders in the literature. This variant has been identified in 6/280606 chromosomes in the general population by the Genome Aggregation Database (gnomAD). The available evidence is insufficient to determine the role of this variant in disease conclusively. Therefore, this variant is classified as a Variant of Uncertain Significance.

Labcorp Genetics (formerly Invitae), Labcorp
Classification: Uncertain significance for Wilson disease. Last evaluated: 2024-12-19. Review status: criteria provided, single submitter. Criteria: Invitae Variant Classification Sherloc (09022015). Collection method: clinical testing. Allele origin: germline.
Comment: This sequence change replaces asparagine, which is neutral and polar, with isoleucine, which is neutral and non-polar, at codon 687 of the ATP7B protein (p.Asn687Ile). This variant is present in population databases (rs778768103, gnomAD 0.004%). This variant has not been reported in the literature in individuals affected with ATP7B-related conditions. ClinVar contains an entry for this variant (Variation ID: 1704391). Invitae Evidence Modeling of protein sequence and biophysical properties (such as structural, functional, and spatial information, amino acid conservation, physicochemical variation, residue mobility, and thermodynamic stability) indicates that this missense variant is not expected to disrupt ATP7B protein function with a negative predictive value of 80%. In summary, the available evidence is currently insufficient to determine the role of this variant in disease. Therefore, it has been classified as a Variant of Uncertain Significance.

All of Us Research Program, National Institutes of Health
Classification: Uncertain significance for Wilson disease. Last evaluated: 2024-08-23. Review status: criteria provided, single submitter. Criteria: ACMG Guidelines, 2015. Collection method: clinical testing. Allele origin: germline. Inheritance: Autosomal recessive inheritance. Observed: 7 variant alleles, 7 heterozygotes.
Comment: This missense variant replaces asparagine with isoleucine at codon 687 of the ATP7B protein. Computational prediction is inconclusive regarding the impact of this variant on protein structure and function (internally defined REVEL score threshold 0.5 < inconclusive < 0.7, PMID: 27666373). To our knowledge, functional studies have not been reported for this variant. This variant has not been reported in individuals affected with ATP7B-related disorders in the literature. This variant has been identified in 6/280606 chromosomes in the general population by the Genome Aggregation Database (gnomAD). The available evidence is insufficient to determine the role of this variant in disease conclusively. Therefore, this variant is classified as a Variant of Uncertain Significance.

This study involves interpretation of variants in research participants for the purpose of population health screening. Participant phenotype was not available at the time of variant classification. Additional details can be found in publication PMID: 35346344, PMCID: PMC8962531

Blueprint Genetics
Classification: Uncertain significance. Last evaluated: 2024-07-02. Review status: criteria provided, single submitter. Criteria: ACMG Guidelines, 2015. Collection method: clinical testing. Allele origin: germline.

Fulgent Genetics
Classification: Uncertain significance for Wilson disease. Last evaluated: 2024-05-13. Review status: criteria provided, single submitter. Criteria: ACMG Guidelines, 2015. Collection method: clinical testing. Allele origin: germline.

Revvity Omics, Revvity
Classification: Uncertain significance for Wilson disease. Last evaluated: 2024-05-03. Review status: criteria provided, single submitter. Criteria: ACMG Guidelines, 2015. Collection method: clinical testing. Allele origin: germline.

Johns Hopkins Genomics, Johns Hopkins University
Classification: Uncertain significance for Wilson disease. Last evaluated: 2022-09-02. Review status: criteria provided, single submitter. Criteria: ACMG Guidelines, 2015. Collection method: clinical testing. Allele origin: germline.
Comment: This ATP7B variant (rs778768103) is rare (<0.1%) in a large population dataset (gnomAD: 6/280606 total alleles; 0.0021%; no homozygotes) and has not been reported in ClinVar nor the literature to our knowledge. Of two bioinformatics tools queried, one predicts that the substitution would be damaging, while another predicts that it would be tolerated. The asparagine residue at this position is mostly conserved across the vertebrate species assessed, or a similar polar uncharged amino acid is substituted (e.g. glutamine, serine). Bioinformatic analysis predicts that this variant would not affect normal exon 7 splicing, although this has not been confirmed experimentally to our knowledge. This variant is not predicted to occur on the same haplotype as c.1846C>T, but we were not able to confirm whether these variants are on opposite chromosomes. Due to insufficient evidence, we consider the clinical significance of c.2060A>T to be uncertain at this time.

Kariminejad - Najmabadi Pathology & Genetics Center
Classification: Likely pathogenic for Wilson disease. Review status: criteria provided, single submitter. Criteria: ACMG Guidelines, 2015. Collection method: clinical testing. Allele origin: germline. Affected: no.

Literature cited by the submitters: PubMed 17433323 (cited by Johns Hopkins Genomics, Johns Hopkins University); PubMed 35864215 (cited by Johns Hopkins Genomics, Johns Hopkins University).